The following is an entry in ClinVar:

NM_001267550.2(TTN):c.31671dup (p.Pro10558fs)

Gene: TTN (titin; minus strand). Cytogenetic location: 2q31.2.
Variant type: Duplication.
Coding change: c.31671dup on transcript NM_001267550.2 (MANE Select); coding-DNA position 31671, one base duplicated (A; older notation c.31671dupA).
Protein change: p.Pro10558fs; shifts the reading frame from proline 10558.
Molecular consequence: frameshift variant. On other transcripts: intron variant (3).
Genome position (GRCh38, 1-based): chr2:178,692,504, T duplicated on the plus strand (A on the coding strand, the reverse complement: TTN is on the minus strand). VCF-style (leftmost placement, unchanged base first): chr2-178692503-G-GT. GRCh37 (hg19) VCF-style: chr2-179557230-G-GT.
Other names: c.30720dup, p.Pro10241fs (NM_001256850.1); c.27939dup, p.Pro9314fs (NM_133378.4); c.13282+45578dup (NM_003319.4); c.13858+45578dup (NM_133437.4); c.13657+45578dup (NM_133432.3); short protein forms P10241fs, P10558fs, P9314fs.
Identifiers: ClinVar variation 4850305 (VCV004850305.1).

ClinVar aggregate classification (germline): Likely pathogenic (1 of 4 stars; one submission).

Conditions:
Early-onset myopathy with fatal cardiomyopathy (CMYO5). Also called: Salih Myopathy; CONGENITAL MYOPATHY 5 WITH CARDIOMYOPATHY. Identifiers: Orphanet 289377, MedGen C2673677, MONDO:0012714, OMIM 611705. Disease mechanism: loss of function.
Autosomal recessive limb-girdle muscular dystrophy type 2J (LGMDR10). Also called: Limb-girdle muscular dystrophy, type 2J; MUSCULAR DYSTROPHY, LIMB-GIRDLE, AUTOSOMAL RECESSIVE 10. Identifiers: Orphanet 140922, MedGen C1837342, MONDO:0012127, OMIM 608807.

Submission:

First Genomix Gene Laboratory, Genetic Diagnostics Department
Classification: Likely pathogenic for Early-onset myopathy with fatal cardiomyopathy; Autosomal recessive limb-girdle muscular dystrophy type 2J. Last evaluated: 2025-09-19. Review status: criteria provided, single submitter. Criteria: ACMG Guidelines, 2015. Collection method: clinical testing. Allele origin: germline. Inheritance: Autosomal recessive inheritance. Affected: no. Observed: 1 variant allele.